The following is an entry in ClinVar:

ClinVar aggregate classification (germline): Uncertain significance (1 of 4 stars; one submission).

gnomAD v4.1: 23 of 1,612,388 alleles (0.0014%); highest among the groups gnomAD compares: Admixed American, 0.038%; no homozygotes.

Submission:

Labcorp Genetics (formerly Invitae), Labcorp
Classification: Uncertain significance. Last evaluated: 2023-08-04. Review status: criteria provided, single submitter. Criteria: Invitae Variant Classification Sherloc (09022015). Collection method: clinical testing. Allele origin: germline.
Comment: ClinVar contains an entry for this variant (Variation ID: 2148095). In summary, the available evidence is currently insufficient to determine the role of this variant in disease. Therefore, it has been classified as a Variant of Uncertain Significance. Advanced modeling of protein sequence and biophysical properties (such as structural, functional, and spatial information, amino acid conservation, physicochemical variation, residue mobility, and thermodynamic stability) performed at Invitae indicates that this missense variant is not expected to disrupt VPS13A protein function. This variant has not been reported in the literature in individuals affected with VPS13A-related conditions. This variant is present in population databases (rs772138844, gnomAD 0.06%). This sequence change replaces serine, which is neutral and polar, with isoleucine, which is neutral and non-polar, at codon 665 of the VPS13A protein (p.Ser665Ile).

NM_033305.3(VPS13A):c.1994G>T (p.Ser665Ile)

Gene: VPS13A (vacuolar protein sorting 13 homolog A; plus strand). Cytogenetic location: 9q21.2.
Variant type: single nucleotide variant.
Coding change: c.1994G>T on transcript NM_033305.3 (MANE Select); coding-DNA position 1994, G replaced by T.
Protein change: p.Ser665Ile; replaces serine 665 with isoleucine.
Molecular consequence: missense variant.
Genome position (GRCh38, 1-based): chr9:77,247,352, G>T. VCF-style: chr9-77247352-G-T. GRCh37 (hg19) VCF-style: chr9-79862268-G-T.
Other names: c.1994G>T, p.Ser665Ile (NM_001018037.2, NM_001018038.3, NM_015186.4); short protein forms S665I.
Identifiers: ClinVar variation 2148095 (VCV002148095.3), dbSNP rs772138844, ClinGen allele CA5091823.
Genomic context (GRCh38, chr9:77,247,352, plus strand): 5'-TTGATCTCAAAATTAATTTGAAGGCTTCATATATTATTGTCCCACAAGATGGAATTTTTA[G>T]TCCTACATCAAATCTGCTTCTTTTGGACCTTGGTCATCTAAAGGTATATACTAATAATAT-3'
Protein context (NP_150648.2, residues 655-675): YIIVPQDGIF[Ser665Ile]PTSNLLLLDL